The following is an entry in ClinVar:

NM_002591.4(PCK1):c.483G>C (p.Thr161=)

Gene: PCK1 (phosphoenolpyruvate carboxykinase 1; plus strand). Cytogenetic location: 20q13.31.
Variant type: single nucleotide variant.
Coding change: c.483G>C on transcript NM_002591.4 (MANE Select); coding-DNA position 483, G replaced by C.
Protein change: p.Thr161=; no amino-acid change (threonine 161 retained).
Molecular consequence: synonymous variant.
Genome position (GRCh38, 1-based): chr20:57,562,772, G>C. VCF-style: chr20-57562772-G-C. GRCh37 (hg19) VCF-style: chr20-56137828-G-C.
Identifiers: ClinVar variation 2652428 (VCV002652428.25), dbSNP rs530695277, ClinGen allele CA511310866.
Genomic context (GRCh38, chr20:57,562,772, plus strand): 5'-CATCCCATTCAGCATGGGGCCGCTGGGCTCGCCTCTGTCAAAGATCGGCATCGAGCTGAC[G>C]GATTCACCCTACGTGGTGGCCAGCATGCGGATCATGACGCGGATGGGCACGCCCGTCCTG-3'
Protein context (NP_002582.3, residues 151-171): SPLSKIGIEL[Thr161=]DSPYVVASMR

ClinVar aggregate classification (germline): Likely benign. Review status: criteria provided, multiple submitters, no conflicts (2 of 4 stars). 2 submissions from 2 submitters: Likely benign (2). Last evaluated 2024-09-25.

Submissions (2):

Blueprint Genetics
Classification: Likely benign. Last evaluated: 2024-09-25. Review status: criteria provided, single submitter. Criteria: ACMG Guidelines, 2015. Collection method: clinical testing. Allele origin: germline.

CeGaT Center for Human Genetics Tuebingen
Classification: Likely benign. Last evaluated: 2023-11-01. Review status: criteria provided, single submitter. Criteria: CeGaT Center For Human Genetics Tuebingen Variant Classification Criteria Version 2. Collection method: clinical testing. Allele origin: germline. Affected: yes. Observed: 1 variant allele.
Comment: PCK1: BP4, BP7